The following is an entry in ClinVar:

NM_000051.4(ATM):c.4603C>G (p.Gln1535Glu)

Gene: ATM (ATM serine/threonine kinase; plus strand). Cytogenetic location: 11q22.3.
Variant type: single nucleotide variant.
Coding change: c.4603C>G on transcript NM_000051.4 (MANE Select); coding-DNA position 4603, C replaced by G.
Protein change: p.Gln1535Glu; replaces glutamine 1535 with glutamic acid.
Molecular consequence: missense variant.
Genome position (GRCh38, 1-based): chr11:108,292,785, C>G. VCF-style: chr11-108292785-C-G. GRCh37 (hg19) VCF-style: chr11-108163512-C-G.
Other names: c.4603C>G, p.Gln1535Glu (NM_001351834.2); short protein forms Q1535E.
Identifiers: ClinVar variation 3710898 (VCV003710898.3).

ClinVar aggregate classification (germline): Uncertain significance. Review status: criteria provided, multiple submitters, no conflicts (2 of 4 stars). 2 submissions from 2 submitters: Uncertain significance (2). Last evaluated 2025-10-17.

Conditions:
Ataxia-telangiectasia syndrome (AT). Also called: Ataxia-telangiectasia, complementation group E; ATAXIA-TELANGIECTASIA, COMPLEMENTATION GROUP A; ATAXIA-TELANGIECTASIA, FRESNO VARIANT; Ataxia-telangiectasia, complementation group D; AT, COMPLEMENTATION GROUP C; Ataxia-telangiectasia. Identifiers: Orphanet 100, MedGen C0004135, MONDO:0008840, OMIM 208900.

gnomAD v4.1: 1 of 1,613,748 alleles (0.000062%); highest among the groups gnomAD compares: Admixed American, 0.0017%; no homozygotes.

Submissions (2):

Women's Health and Genetics/Laboratory Corporation of America, LabCorp
Classification: Uncertain significance. Last evaluated: 2025-10-17. Review status: criteria provided, single submitter. Criteria: LabCorp Variant Classification Summary - May 2015. Collection method: clinical testing. Allele origin: germline.

Labcorp Genetics (formerly Invitae), Labcorp
Classification: Uncertain significance for Ataxia-telangiectasia syndrome. Last evaluated: 2025-01-06. Review status: criteria provided, single submitter. Criteria: Invitae Variant Classification Sherloc (09022015). Collection method: clinical testing. Allele origin: germline.
Comment: This sequence change replaces glutamine, which is neutral and polar, with glutamic acid, which is acidic and polar, at codon 1535 of the ATM protein (p.Gln1535Glu). This variant is not present in population databases (gnomAD no frequency). This variant has not been reported in the literature in individuals affected with ATM-related conditions. Invitae Evidence Modeling of protein sequence and biophysical properties (such as structural, functional, and spatial information, amino acid conservation, physicochemical variation, residue mobility, and thermodynamic stability) indicates that this missense variant is not expected to disrupt ATM protein function with a negative predictive value of 95%. In summary, the available evidence is currently insufficient to determine the role of this variant in disease. Therefore, it has been classified as a Variant of Uncertain Significance.